The following is an entry in ClinVar:

NM_030930.4(UNC93B1):c.1363+4A>C

Gene: UNC93B1 (unc-93B1 regulator of TLR signaling; minus strand). Cytogenetic location: 11q13.2.
Variant type: single nucleotide variant.
Coding change: c.1363+4A>C on transcript NM_030930.4 (MANE Select); 4 bases into the intron after coding-DNA position 1363, A replaced by C.
Molecular consequence: intron variant.
Genome position (GRCh38, 1-based): chr11:67,995,607, T>G on the plus strand (A>C on the coding strand, the complement: UNC93B1 is on the minus strand). VCF-style: chr11-67995607-T-G. GRCh37 (hg19) VCF-style: chr11-67763078-T-G.
Identifiers: ClinVar variation 946914 (VCV000946914.6), dbSNP rs774126313, ClinGen allele CA224212520.

ClinVar aggregate classification (germline): Uncertain significance. Review status: criteria provided, multiple submitters, no conflicts (2 of 4 stars). 2 submissions from 2 submitters: Uncertain significance (2). Last evaluated 2022-09-16.

Conditions:
Encephalopathy, acute, infection-induced (herpes-specific), susceptibility to, 1. Also called: Herpes simplex encephalitis, susceptibility to, 1. Identifiers: Orphanet 1930, MedGen C2750180, MONDO:0024563, OMIM 610551.

Allele frequency attached by ClinVar (database versions not stated): gnomAD exomes 0.00003 and 0.00005; gnomAD 0.00002 and 0.00004; 1000 Genomes Project 30x 0.00016.
gnomAD v4.1: 20 of 636,764 alleles (0.0031%); highest among the groups gnomAD compares: Admixed American, 0.033%; no homozygotes.

Submissions (2):

Blueprint Genetics
Classification: Uncertain significance. Last evaluated: 2022-09-16. Review status: criteria provided, single submitter. Criteria: ACMG Guidelines, 2015. Collection method: clinical testing. Allele origin: germline.

Labcorp Genetics (formerly Invitae), Labcorp
Classification: Uncertain significance for Encephalopathy, acute, infection-induced (herpes-specific), susceptibility to, 1. Last evaluated: 2022-01-11. Review status: criteria provided, single submitter. Criteria: Invitae Variant Classification Sherloc (09022015). Collection method: clinical testing. Allele origin: germline.
Comment: This sequence change falls in intron 9 of the UNC93B1 gene. It does not directly change the encoded amino acid sequence of the UNC93B1 protein. It affects a nucleotide within the consensus splice site. This variant is present in population databases (rs774126313, gnomAD 0.03%). This variant has not been reported in the literature in individuals affected with UNC93B1-related conditions. ClinVar contains an entry for this variant (Variation ID: 946914). Variants that disrupt the consensus splice site are a relatively common cause of aberrant splicing (PMID: 17576681, 9536098). Algorithms developed to predict the effect of sequence changes on RNA splicing suggest that this variant may disrupt the consensus splice site. In summary, the available evidence is currently insufficient to determine the role of this variant in disease. Therefore, it has been classified as a Variant of Uncertain Significance.

Literature cited by the submitters: PubMed 17576681 (cited by Labcorp Genetics (formerly Invitae), Labcorp); PubMed 9536098 (cited by Labcorp Genetics (formerly Invitae), Labcorp).